The following is an entry in ClinVar:

ClinVar aggregate classification (germline): Conflicting classifications of pathogenicity. Review status: criteria provided, conflicting classifications (1 of 4 stars). 3 submissions from 3 submitters: Uncertain significance (1); Likely benign (2). Last evaluated 2026-03-02.

Allele frequency attached by ClinVar (database versions not stated): gnomAD 0.00008 and 0.00011; TOPMed 0.00009; ExAC 0.00013; gnomAD exomes 0.00015; 1000 Genomes Project 30x 0.00016; 1000 Genomes Project 0.00020.
gnomAD v4.1: 231 of 1,612,800 alleles (0.014%); highest among the groups gnomAD compares: South Asian, 0.068%; 1 homozygote.

Submissions (4):

Women's Health and Genetics/Laboratory Corporation of America, LabCorp
Classification: Uncertain significance. Last evaluated: 2026-03-02. Review status: criteria provided, single submitter. Criteria: LabCorp Variant Classification Summary - May 2015. Collection method: clinical testing. Allele origin: germline.
Comment: Variant summary: WDR81 c.3345C>T alters a conserved nucleotide resulting in a synonymous change. Several computational tools predict a significant impact on normal splicing: Three predict the variant creates a 5' donor site, whereas two predict the variant has no significant impact on splicing. However, these predictions have yet to be confirmed by functional studies. The variant allele was found at a frequency of 0.00015 in 249562 control chromosomes in the gnomAD database, including 1 homozygote. This frequency is not significantly higher than estimated for disease-causing variants in WDR81, allowing no conclusion about variant significance. To our knowledge, no occurrence of c.3345C>T in individuals affected with WDR81-related conditions and no experimental evidence demonstrating its impact on protein function have been reported. ClinVar contains an entry for this variant (Variation ID: 745093). Based on the evidence outlined above, the variant was classified as uncertain significance.

Blueprint Genetics
Classification: Likely benign. Last evaluated: 2024-11-04. Review status: criteria provided, single submitter. Criteria: ACMG Guidelines, 2015. Collection method: clinical testing. Allele origin: germline.

Labcorp Genetics (formerly Invitae), Labcorp
Classification: Likely benign. Last evaluated: 2018-08-08. Review status: criteria provided, single submitter. Criteria: Invitae Variant Classification Sherloc (09022015). Collection method: clinical testing. Allele origin: germline.

Dr. Peter K. Rogan Lab, Western University
No classification provided (evidence only). Condition: Melanoma. Review status: no classification provided. Collection method: in vitro. Allele origin: not applicable. Functional consequence: retained intron. Not counted in ClinVar's aggregate classification.

NM_001163809.2(WDR81):c.3345C>T (p.Ser1115=)

Gene: WDR81 (WD repeat domain 81; plus strand). Cytogenetic location: 17p13.3.
Variant type: single nucleotide variant.
Coding change: c.3345C>T on transcript NM_001163809.2 (MANE Select); coding-DNA position 3345, C replaced by T.
Protein change: p.Ser1115=; no amino-acid change (serine 1115 retained).
Molecular consequence: synonymous variant. On other transcripts: intron variant (2).
Genome position (GRCh38, 1-based): chr17:1,728,304, C>T. VCF-style: chr17-1728304-C-T. GRCh37 (hg19) VCF-style: chr17-1631598-C-T.
Other names: NC_000017.10:g.1631598C>T; c.192C>T, p.Ser64= (NM_152348.4); c.59-2076C>T (NM_001163673.2); c.-14-2076C>T (NM_001163811.2).
Identifiers: ClinVar variation 745093 (VCV000745093.6), dbSNP rs527423063, ClinGen allele CA8273226.
Genomic context (GRCh38, chr17:1,728,304, plus strand): 5'-CCAGCCCCAGGAGGCTGAGGCTGTGAGCCTGGGCCGGCTGAGTGACAAGAGCAGCACCAG[C>T]GAGACCTCCCTGGGTGAGGAGCGGGCTCCAGACGAGGGGGGTGCCCCCGTGGACAAGAGC-3'
Protein context (NP_001157281.1, residues 1105-1125): LGRLSDKSST[Ser1115=]ETSLGEERAP